The following is an entry in ClinVar:

ClinVar aggregate classification (germline): Likely benign. Review status: criteria provided, multiple submitters, no conflicts (2 of 4 stars). 3 submissions from 3 submitters: Likely benign (3). Last evaluated 2024-10-16.

Conditions:
Charcot-Marie-Tooth disease axonal type 2P. Also called: CHARCOT-MARIE-TOOTH NEUROPATHY, TYPE 2P; CHARCOT-MARIE-TOOTH DISEASE, AXONAL, TYPE 2G; CMT 2G; Charcot-Marie-Tooth Neuropathy Type 2G. Identifiers: Orphanet 300319, Orphanet 99941, MedGen C3280797, MONDO:0013753, OMIM 614436.
Charcot-Marie-Tooth disease. Also called: Charcot-Marie-Tooth Neuropathy; Charcot-Marie-Tooth Hereditary Neuropathy. Identifiers: Orphanet 166, MedGen C0007959, MONDO:0015626.

Allele frequency attached by ClinVar (database versions not stated): gnomAD 0.00003; TOPMed 0.00005; ESP Exome Variant Server 0.00008.
gnomAD v4.1: 48 of 1,570,536 alleles (0.0031%); highest among the groups gnomAD compares: Middle Eastern, 0.072%; 1 homozygote.

Submissions (3):

Labcorp Genetics (formerly Invitae), Labcorp
Classification: Likely benign for Charcot-Marie-Tooth disease axonal type 2P. Last evaluated: 2024-10-16. Review status: criteria provided, single submitter. Criteria: Invitae Variant Classification Sherloc (09022015). Collection method: clinical testing. Allele origin: germline.

GeneDx
Classification: Likely benign. Last evaluated: 2017-07-20. Review status: criteria provided, single submitter. Criteria: GeneDx Variant Classification (06012015). Collection method: clinical testing. Allele origin: germline. Affected: yes.
Comment: This variant is considered likely benign or benign based on one or more of the following criteria: it is a conservative change, it occurs at a poorly conserved position in the protein, it is predicted to be benign by multiple in silico algorithms, and/or has population frequency not consistent with disease.

Molecular Genetics Laboratory, London Health Sciences Centre
Classification: Likely benign for Charcot-Marie-Tooth disease. Review status: criteria provided, single submitter. Criteria: ACMG Guidelines, 2015. Collection method: clinical testing. Allele origin: germline. Affected: yes.

NM_001005373.4(LRSAM1):c.619+11G>A

Gene: LRSAM1 (leucine rich repeat and sterile alpha motif containing 1; plus strand). Cytogenetic location: 9q33.3.
Variant type: single nucleotide variant.
Coding change: c.619+11G>A on transcript NM_001005373.4 (MANE Select); 11 bases into the intron after coding-DNA position 619, G replaced by A.
Molecular consequence: intron variant.
Genome position (GRCh38, 1-based): chr9:127,467,841, G>A. VCF-style: chr9-127467841-G-A. GRCh37 (hg19) VCF-style: chr9-130230120-G-A.
Other names: c.619+11G>A (NM_138361.5, NM_001384142.1, NM_001384143.1 and 2 more transcripts); c.-166+11G>A (NM_001384144.1).
Identifiers: ClinVar variation 510933 (VCV000510933.9), dbSNP rs370502826, ClinGen allele CA5246616.